The following is an entry in ClinVar:

ClinVar aggregate classification (germline): Uncertain significance (1 of 4 stars; one submission).

Conditions:
Neu-Laxova syndrome 2. Identifiers: Orphanet 2671, Orphanet 583602, MedGen C4015019, MONDO:0014466, OMIM 616038.

Allele frequency attached by ClinVar (database versions not stated): TOPMed 0.00001.

Submission:

Labcorp Genetics (formerly Invitae), Labcorp
Classification: Uncertain significance for Neu-Laxova syndrome 2. Last evaluated: 2026-02-02. Review status: criteria provided, single submitter. Criteria: Invitae Variant Classification Sherloc (09022015). Collection method: clinical testing. Allele origin: germline.
Comment: This sequence change replaces proline, which is neutral and non-polar, with histidine, which is basic and polar, at codon 87 of the PSAT1 protein (p.Pro87His). This variant is not present in population databases (gnomAD no frequency). This variant has not been reported in the literature in individuals affected with PSAT1-related conditions. ClinVar contains an entry for this variant (Variation ID: 1429836). Invitae Evidence Modeling of protein sequence and biophysical properties (such as structural, functional, and spatial information, amino acid conservation, physicochemical variation, residue mobility, and thermodynamic stability) indicates that this missense variant is expected to disrupt PSAT1 protein function with a positive predictive value of 80%. In summary, the available evidence is currently insufficient to determine the role of this variant in disease. Therefore, it has been classified as a Variant of Uncertain Significance.

NM_058179.4(PSAT1):c.260C>A (p.Pro87His)

Gene: PSAT1 (phosphoserine aminotransferase 1; plus strand). Cytogenetic location: 9q21.2.
Variant type: single nucleotide variant.
Coding change: c.260C>A on transcript NM_058179.4 (MANE Select); coding-DNA position 260, C replaced by A.
Protein change: p.Pro87His; replaces proline 87 with histidine.
Molecular consequence: missense variant.
Genome position (GRCh38, 1-based): chr9:78,304,803, C>A. VCF-style: chr9-78304803-C-A. GRCh37 (hg19) VCF-style: chr9-80919719-C-A.
Other names: c.260C>A, p.Pro87His (NM_021154.5); short protein forms P87H.
Identifiers: ClinVar variation 1429836 (VCV001429836.6), dbSNP rs772427307, ClinGen allele CA373872179.